The following is an entry in ClinVar:

ClinVar aggregate classification (germline): Conflicting classifications of pathogenicity. Review status: criteria provided, conflicting classifications (1 of 4 stars). 2 submissions from 2 submitters: Uncertain significance (1); Likely benign (1). Last evaluated 2026-04-30.

Conditions:
KNL1-related disorder. Also called: KNL1-related condition.
Microcephaly 4, primary, autosomal recessive. Identifiers: Orphanet 2512, MedGen C1858516, MONDO:0011437, OMIM 604321.

Allele frequency attached by ClinVar (database versions not stated): gnomAD 0.00007 and 0.00009; TOPMed 0.00017; gnomAD exomes 0.00026; ExAC 0.00030; 1000 Genomes Project 0.00060; 1000 Genomes Project 30x 0.00062.
gnomAD v4.1: 83 of 1,614,014 alleles (0.0051%); highest among the groups gnomAD compares: East Asian, 0.16%; no homozygotes.

Submissions (2):

PreventionGenetics, part of Exact Sciences
Classification: Likely benign for KNL1-related condition. Last evaluated: 2026-04-30. Review status: criteria provided, single submitter. Criteria: ACMG Guidelines, 2015. Collection method: clinical testing. Allele origin: germline.
Comment: This variant is classified as likely benign based on ACMG/AMP sequence variant interpretation guidelines (Richards et al. 2015 PMID: 25741868, with internal and published modifications).

Illumina Laboratory Services, Illumina
Classification: Uncertain significance for Microcephaly 4, primary, autosomal recessive. Last evaluated: 2018-01-12. Review status: criteria provided, single submitter. Criteria: ICSL Variant Classification Criteria 13 December 2019. Collection method: clinical testing. Allele origin: germline.

NM_144508.5(KNL1):c.4954A>G (p.Ile1652Val)

Gene: KNL1 (kinetochore scaffold 1; plus strand). Cytogenetic location: 15q15.1.
Variant type: single nucleotide variant.
Coding change: c.4954A>G on transcript NM_144508.5 (MANE Select); coding-DNA position 4954, A replaced by G.
Protein change: p.Ile1652Val; replaces isoleucine 1652 with valine.
Molecular consequence: missense variant.
Genome position (GRCh38, 1-based): chr15:40,625,218, A>G. VCF-style: chr15-40625218-A-G. GRCh37 (hg19) VCF-style: chr15-40917416-A-G.
Other names: c.5032A>G (NM_170589.4); c.5032A>G, p.Ile1678Val (NM_170589.5); short protein forms I1678V, I1652V.
Identifiers: ClinVar variation 885623 (VCV000885623.5), dbSNP rs193134958, ClinGen allele CA7483257.